The following is an entry in ClinVar:

NM_001271.4(CHD2):c.341G>T (p.Arg114Leu)

Gene: CHD2 (chromodomain helicase DNA binding protein 2; plus strand). Cytogenetic location: 15q26.1.
Variant type: single nucleotide variant.
Coding change: c.341G>T on transcript NM_001271.4 (MANE Select); coding-DNA position 341, G replaced by T.
Protein change: p.Arg114Leu; replaces arginine 114 with leucine.
Molecular consequence: missense variant.
Genome position (GRCh38, 1-based): chr15:92,927,290, G>T. VCF-style: chr15-92927290-G-T. GRCh37 (hg19) VCF-style: chr15-93470520-G-T.
Other names: c.341G>T, p.Arg114Leu (NM_001042572.3); short protein forms R114L.
Identifiers: ClinVar variation 2837163 (VCV002837163.3), dbSNP rs2505393348, ClinGen allele CA393896953.
Genomic context (GRCh38, chr15:92,927,290, plus strand): 5'-TCTTAATTTTACAGATGTGGGAAGAATATCCTGATGTTTATGGGGTCAGGCGGTCAAACC[G>T]AAGCAGACAAGAACCATCGCGATTTAATATTAAGGAAGAGGTAAGGAAAAAATGTTTTAA-3'
Protein context (NP_001262.3, residues 104-124): PDVYGVRRSN[Arg114Leu]SRQEPSRFNI

ClinVar aggregate classification (germline): Uncertain significance (1 of 4 stars; one submission).

Conditions:
Developmental and epileptic encephalopathy 94 (DEE94). Also called: Epileptic encephalopathy, childhood-onset; CHD2-Related Neurodevelopmental Disorders. Identifiers: Orphanet 1942, Orphanet 2382, MedGen C3809278, MONDO:0014150, OMIM 615369.

Submission:

Labcorp Genetics (formerly Invitae), Labcorp
Classification: Uncertain significance for Developmental and epileptic encephalopathy 94. Last evaluated: 2023-03-25. Review status: criteria provided, single submitter. Criteria: Invitae Variant Classification Sherloc (09022015). Collection method: clinical testing. Allele origin: germline.
Comment: This sequence change replaces arginine, which is basic and polar, with leucine, which is neutral and non-polar, at codon 114 of the CHD2 protein (p.Arg114Leu). This variant is not present in population databases (gnomAD no frequency). This missense change has been observed in individual(s) with clinical features of CHD2-related conditions (Invitae). Advanced modeling of protein sequence and biophysical properties (such as structural, functional, and spatial information, amino acid conservation, physicochemical variation, residue mobility, and thermodynamic stability) performed at Invitae indicates that this missense variant is not expected to disrupt CHD2 protein function. In summary, the available evidence is currently insufficient to determine the role of this variant in disease. Therefore, it has been classified as a Variant of Uncertain Significance.